The following is an entry in ClinVar:

ClinVar aggregate classification (germline): Uncertain significance. Review status: criteria provided, multiple submitters, no conflicts (2 of 4 stars). 2 submissions from 2 submitters: Uncertain significance (2). Last evaluated 2024-06-09.

Conditions:
Inborn genetic diseases. Identifiers: MedGen C0950123, MeSH D030342.
Malignant hyperthermia, susceptibility to, 5 (MHS5). Also called: CACNA1S-Related Malignant Hyperthermia Susceptibility. Identifiers: Orphanet 423, MedGen C1866077, MONDO:0011163, OMIM 601887.

Submissions (2):

All of Us Research Program, National Institutes of Health
Classification: Uncertain significance for Malignant hyperthermia, susceptibility to, 5. Last evaluated: 2024-06-09. Review status: criteria provided, single submitter. Criteria: ACMG Guidelines, 2015. Collection method: clinical testing. Allele origin: germline. Inheritance: Autosomal dominant inheritance. Observed: 1 variant allele, 1 heterozygote.
Comment: This missense variant replaces leucine with serine at codon 1506 of the CACNA1S protein. Computational prediction is inconclusive regarding the impact of this variant on protein structure and function (internally defined REVEL score threshold 0.5 < inconclusive < 0.7, PMID: 27666373). To our knowledge, functional studies have not been reported for this variant. This variant has not been reported in individuals affected with CACNA1S-related disorders in the literature. This variant has not been identified in the general population by the Genome Aggregation Database (gnomAD). The available evidence is insufficient to determine the role of this variant in disease conclusively. Therefore, this variant is classified as a Variant of Uncertain Significance.

This study involves interpretation of variants in research participants for the purpose of population health screening. Participant phenotype was not available at the time of variant classification. Additional details can be found in publication PMID: 35346344, PMCID: PMC8962531

Ambry Genetics
Classification: Uncertain significance for Inborn genetic diseases. Last evaluated: 2023-12-08. Review status: criteria provided, single submitter. Criteria: Ambry Variant Classification Scheme 2023. Collection method: clinical testing. Allele origin: germline.

NM_000069.3(CACNA1S):c.4517T>C (p.Leu1506Ser)

Gene: CACNA1S (calcium voltage-gated channel subunit alpha1 S; minus strand). Cytogenetic location: 1q32.1.
Variant type: single nucleotide variant.
Coding change: c.4517T>C on transcript NM_000069.3 (MANE Select); coding-DNA position 4517, T replaced by C.
Protein change: p.Leu1506Ser; replaces leucine 1506 with serine.
Molecular consequence: missense variant.
Genome position (GRCh38, 1-based): chr1:201,047,551, A>G on the plus strand (T>C on the coding strand, the complement: CACNA1S is on the minus strand). VCF-style: chr1-201047551-A-G. GRCh37 (hg19) VCF-style: chr1-201016679-A-G.
Other names: short protein forms L1506S.
Identifiers: ClinVar variation 3136450 (VCV003136450.2), dbSNP rs2464431238, ClinGen allele CA344143019.